The following is an entry in ClinVar:

ClinVar aggregate classification (germline): Uncertain significance (1 of 4 stars; one submission).

Conditions:
ALG12-congenital disorder of glycosylation (CDG1G). Also called: ALG12-CDG; Congenital disorder of glycosylation, type Ig; CDG Ig. Identifiers: Orphanet 79324, MedGen C2931001, MONDO:0011783, OMIM 607143.

Allele frequency attached by ClinVar (database versions not stated): gnomAD exomes below 0.00001; ExAC 0.00001.
gnomAD v4.1: 2 of 1,613,988 alleles (0.00012%); highest among the groups gnomAD compares: Non-Finnish European, 0.00017%; no homozygotes.

Submission:

Labcorp Genetics (formerly Invitae), Labcorp
Classification: Uncertain significance for ALG12-congenital disorder of glycosylation. Last evaluated: 2022-07-22. Review status: criteria provided, single submitter. Criteria: Invitae Variant Classification Sherloc (09022015). Collection method: clinical testing. Allele origin: germline.
Comment: This sequence change replaces proline, which is neutral and non-polar, with serine, which is neutral and polar, at codon 65 of the ALG12 protein (p.Pro65Ser). This variant is present in population databases (rs758635276, gnomAD 0.0009%). This variant has not been reported in the literature in individuals affected with ALG12-related conditions. Algorithms developed to predict the effect of missense changes on protein structure and function are either unavailable or do not agree on the potential impact of this missense change (SIFT: "Deleterious"; PolyPhen-2: "Probably Damaging"; Align-GVGD: "Class C0"). In summary, the available evidence is currently insufficient to determine the role of this variant in disease. Therefore, it has been classified as a Variant of Uncertain Significance.

NM_024105.4(ALG12):c.193C>T (p.Pro65Ser)

Gene: ALG12 (ALG12 alpha-1,6-mannosyltransferase; minus strand). Cytogenetic location: 22q13.33.
Variant type: single nucleotide variant.
Coding change: c.193C>T on transcript NM_024105.4 (MANE Select); coding-DNA position 193, C replaced by T.
Protein change: p.Pro65Ser; replaces proline 65 with serine.
Molecular consequence: missense variant.
Genome position (GRCh38, 1-based): chr22:49,913,487, G>A on the plus strand (C>T on the coding strand, the complement: ALG12 is on the minus strand). VCF-style: chr22-49913487-G-A. GRCh37 (hg19) VCF-style: chr22-50307135-G-A.
Other names: short protein forms P65S.
Identifiers: ClinVar variation 1713321 (VCV001713321.5), dbSNP rs758635276, ClinGen allele CA10300700.